The following is an entry in ClinVar:

ClinVar aggregate classification (germline): Uncertain significance (1 of 4 stars; one submission).

Conditions:
DSCAM-related disorder. Also called: DSCAM-related condition.

Allele frequency attached by ClinVar (database versions not stated): gnomAD exomes below 0.00001.
gnomAD v4.1: 2 of 1,613,266 alleles (0.00012%); highest among the groups gnomAD compares: Admixed American, 0.0017%; no homozygotes.

Submission:

PreventionGenetics, part of Exact Sciences
Classification: Uncertain significance for DSCAM-related condition. Last evaluated: 2022-12-22. Review status: criteria provided, single submitter. Criteria: ACMG Guidelines, 2015. Collection method: clinical testing. Allele origin: germline.
Comment: The DSCAM c.5926G>C variant is predicted to result in the amino acid substitution p.Gly1976Arg. To our knowledge, this variant has not been reported in the literature or in a large population database, indicating this variant is rare. At this time, the clinical significance of this variant is uncertain due to the absence of conclusive functional and genetic evidence.

NM_001389.5(DSCAM):c.5926G>C (p.Gly1976Arg)

Gene: DSCAM (DS cell adhesion molecule; minus strand). Cytogenetic location: 21q22.2.
Variant type: single nucleotide variant.
Coding change: c.5926G>C on transcript NM_001389.5 (MANE Select); coding-DNA position 5926, G replaced by C.
Protein change: p.Gly1976Arg; replaces glycine 1976 with arginine.
Molecular consequence: missense variant. On other transcripts: non-coding transcript variant (1).
Genome position (GRCh38, 1-based): chr21:40,013,147, C>G on the plus strand (G>C on the coding strand, the complement: DSCAM is on the minus strand). VCF-style: chr21-40013147-C-G. GRCh37 (hg19) VCF-style: chr21-41385074-C-G.
Other names: c.5872G>C, p.Gly1958Arg (NM_001271534.3); c.*1019G>C (NM_206887.1); short protein forms G1958R, G1976R.
Identifiers: ClinVar variation 2635454 (VCV002635454.1), dbSNP rs781586965, ClinGen allele CA410296220.